The following is an entry in ClinVar:

ClinVar aggregate classification (germline): Conflicting classifications of pathogenicity. Review status: criteria provided, conflicting classifications (1 of 4 stars). 3 submissions from 3 submitters: Uncertain significance (1); Likely benign (2). Last evaluated 2024-07-08.

Conditions:
Multiple endocrine neoplasia, type 1 (MEN1). Also called: Endocrine adenomatosis multiple; MEN 1; MEA I; MEN I; WERMER SYNDROME. Identifiers: Orphanet 652, MedGen C0025267, MeSH D018761, MONDO:0007540, OMIM 131100.
Hereditary cancer-predisposing syndrome. Also called: Neoplastic Syndromes, Hereditary; Tumor predisposition; Hereditary neoplastic syndrome; Hereditary Cancer Syndrome. Identifiers: Orphanet 140162, MedGen C0027672, MeSH D009386, MONDO:0015356.

Submissions (3):

Ambry Genetics
Classification: Uncertain significance for Hereditary cancer-predisposing syndrome. Last evaluated: 2024-07-08. Review status: criteria provided, single submitter. Criteria: Ambry Variant Classification Scheme 2023. Collection method: clinical testing. Allele origin: germline.
Comment: The c.913-5T>C intronic variant results from a T to C substitution 5 nucleotides upstream from coding exon 6 in the MEN1 gene. This nucleotide position is not well conserved in available vertebrate species. In silico splice site analysis predicts that this alteration will not have any significant effect on splicing. Based on the available evidence, the clinical significance of this variant remains unclear.

Labcorp Genetics (formerly Invitae), Labcorp
Classification: Likely benign for Multiple endocrine neoplasia, type 1. Last evaluated: 2024-04-12. Review status: criteria provided, single submitter. Criteria: Invitae Variant Classification Sherloc (09022015). Collection method: clinical testing. Allele origin: germline.

All of Us Research Program, National Institutes of Health
Classification: Likely benign for Multiple endocrine neoplasia, type 1. Last evaluated: 2023-04-03. Review status: criteria provided, single submitter. Criteria: ACMG Guidelines, 2015. Collection method: clinical testing. Allele origin: germline. Inheritance: Autosomal dominant inheritance. Observed: 1 variant allele, 1 heterozygote.
Comment: This study involves interpretation of variants in research participants for the purpose of population health screening. Participant phenotype was not available at the time of variant classification. Additional details can be found in publication PMID: 35346344, PMCID: PMC8962531

NM_001370259.2(MEN1):c.913-5T>C

Gene: MEN1 (menin 1; minus strand). Cytogenetic location: 11q13.1.
Variant type: single nucleotide variant.
Coding change: c.913-5T>C on transcript NM_001370259.2 (MANE Select); 5 bases into the intron before coding-DNA position 913, T replaced by C.
Molecular consequence: intron variant.
Genome position (GRCh38, 1-based): chr11:64,806,373, A>G on the plus strand (T>C on the coding strand, the complement: MEN1 is on the minus strand). VCF-style: chr11-64806373-A-G. GRCh37 (hg19) VCF-style: chr11-64573845-A-G.
Other names: c.913-5T>C (NM_130799.2, NM_130799.3, NM_001407144.1 and 8 more transcripts); c.928-5T>C (NM_130804.3, NM_130803.3, NM_000244.4 and 5 more transcripts); c.808-5T>C (NM_001407148.1, NM_001407149.1, NM_001407151.1 and 2 more transcripts).
Identifiers: ClinVar variation 3070307 (VCV003070307.4), dbSNP rs2497177324, ClinGen allele CA2825002032.